The following is an entry in ClinVar:

NM_001042492.3(NF1):c.7006G>T (p.Ala2336Ser)

Gene: NF1 (neurofibromin 1; plus strand). Cytogenetic location: 17q11.2.
Variant type: single nucleotide variant.
Coding change: c.7006G>T on transcript NM_001042492.3 (MANE Select); coding-DNA position 7006, G replaced by T.
Protein change: p.Ala2336Ser; replaces alanine 2336 with serine.
Molecular consequence: missense variant.
Genome position (GRCh38, 1-based): chr17:31,340,589, G>T. VCF-style: chr17-31340589-G-T. GRCh37 (hg19) VCF-style: chr17-29667607-G-T.
Other names: c.6943G>T, p.Ala2315Ser (NM_000267.4); short protein forms A2336S, A2315S.
Identifiers: ClinVar variation 404422 (VCV000404422.17), dbSNP rs587781428, ClinGen allele CA16615289.

ClinVar aggregate classification (germline): Conflicting classifications of pathogenicity. Review status: criteria provided, conflicting classifications (1 of 4 stars). 5 submissions from 5 submitters: Uncertain significance (4); Likely benign (1). Last evaluated 2026-01-16.

Conditions:
Hereditary cancer-predisposing syndrome. Also called: Tumor predisposition; Neoplastic Syndromes, Hereditary; Hereditary Cancer Syndrome; Hereditary neoplastic syndrome. Identifiers: Orphanet 140162, MedGen C0027672, MeSH D009386, MONDO:0015356.
Cardiovascular phenotype. Identifiers: MedGen CN230736.
Juvenile myelomonocytic leukemia (JMML). Also called: LEUKEMIA, JUVENILE MYELOMONOCYTIC, SOMATIC. Identifiers: Orphanet 86834, MedGen C0349639, MONDO:0011908, OMIM 607785, HP:0012209.
Neurofibromatosis, type 1 (NF1). Also called: Neurofibromatosis, type I; NEUROFIBROMATOSIS, TYPE I, SOMATIC; Peripheral type neurofibromatosis; VON RECKLINGHAUSEN DISEASE. Identifiers: Orphanet 636, MedGen C0027831, MONDO:0018975, OMIM 162200. Disease mechanism: loss of function.

Allele frequency attached by ClinVar (database versions not stated): TOPMed 0.00001.
gnomAD v4.1: 2 of 1,613,928 alleles (0.00012%); highest among the groups gnomAD compares: Non-Finnish European, 0.00017%; no homozygotes.

Submissions (5):

Labcorp Genetics (formerly Invitae), Labcorp
Classification: Likely benign for Neurofibromatosis, type 1. Last evaluated: 2026-01-16. Review status: criteria provided, single submitter. Criteria: Invitae Variant Classification Sherloc (09022015). Collection method: clinical testing. Allele origin: germline.

Ambry Genetics
Classification: Uncertain significance for Cardiovascular phenotype; Hereditary cancer-predisposing syndrome. Last evaluated: 2025-11-04. Review status: criteria provided, single submitter. Criteria: Ambry Variant Classification Scheme 2023. Collection method: clinical testing. Allele origin: germline.
Comment: The p.A2315S variant (also known as c.6943G>T), located in coding exon 46 of the NF1 gene, results from a G to T substitution at nucleotide position 6943. The alanine at codon 2315 is replaced by serine, an amino acid with similar properties. This variant has been reported in 1/1120 pediatric cancer patients who underwent whole genome sequencing and/or whole exome sequencing (Zhang J et al. N Engl J Med. 2015 Dec;373:2336-2346). This alteration was observed with an allele frequency of 0.00014 in 7,051 unselected female breast cancer patients and was observed with an allele frequency of 0.00009 in 11,241 female controls of Japanese ancestry (Momozawa Y et al. Nat Commun. 2018 10;9:4083). This amino acid position is highly conserved in available vertebrate species. In addition, the in silico prediction for this alteration is inconclusive. Since supporting evidence is limited at this time, the clinical significance of this alteration remains unclear.

Baylor Genetics
Classification: Uncertain significance for Juvenile myelomonocytic leukemia. Last evaluated: 2023-11-27. Review status: criteria provided, single submitter. Criteria: ACMG Guidelines, 2015. Collection method: clinical testing. Allele origin: unknown.

Genome-Nilou Lab
Classification: Uncertain significance for Neurofibromatosis, type 1. Last evaluated: 2022-03-15. Review status: criteria provided, single submitter. Criteria: ACMG Guidelines, 2015. Collection method: clinical testing. Allele origin: germline. Affected: no.

Sema4
Classification: Uncertain significance for Hereditary cancer-predisposing syndrome. Last evaluated: 2021-11-15. Review status: criteria provided, single submitter. Criteria: Sema4 Curation Guidelines. Collection method: curation. Allele origin: germline.
Comment: To the best of our knowledge, the NF1 c.6943G>T (p.A2315S) variant has not been reported in individuals with NF1-related disease. It was reported in one healthy individual in a pancreatic cancer case-control analysis (PMID: 32980694). It was not observed in the large and broad cohorts of the Genome Aggregation Database. The variant has been reported in ClinVar (Variation ID 404422). Functional studies have not been performed, and in silico predictions of the variant's effect on protein function are inconclusive. The evidence is insufficient to meet ACMG/AMP criteria for classifying the variant as benign or pathogenic. Thus, the clinical significance of this variant is currently uncertain.

Literature cited by the submitters: PubMed 26580448 (cited by Ambry Genetics); PubMed 30287823 (cited by Ambry Genetics); PubMed 32980694 (cited by Sema4).